The following is an entry in ClinVar:

ClinVar aggregate classification (germline): Conflicting classifications of pathogenicity. Review status: criteria provided, conflicting classifications (1 of 4 stars). 8 submissions from 7 submitters: Uncertain significance (3); Benign (1); Likely benign (2). 2 of the submissions do not count toward it. Last evaluated 2025-12-07.

Conditions:
Type 2 diabetes mellitus. Also called: Type II diabetes mellitus. Identifiers: MedGen C0011860, MeSH D003924, MONDO:0005148, OMIM 125853, HP:0005978.
Maturity-onset diabetes of the young type 9 (MODY9). Identifiers: Orphanet 552, MedGen C2677132, MONDO:0012818, OMIM 612225.
Diabetes mellitus, ketosis-prone, susceptibility to. Identifiers: MedGen C4016306.
Hyperglycemia. Identifiers: MedGen C0020456, MONDO:0002909, HP:0003074.

Allele frequency attached by ClinVar (database versions not stated): 1000 Genomes Project 30x 0.00062; gnomAD exomes 0.00043; gnomAD 0.00140 and 0.00151; TOPMed 0.00149; ExAC 0.00049; 1000 Genomes Project 0.00060.

Submissions (8):

Labcorp Genetics (formerly Invitae), Labcorp
Classification: Likely benign. Last evaluated: 2025-12-07. Review status: criteria provided, single submitter. Criteria: Invitae Variant Classification Sherloc (09022015). Collection method: clinical testing. Allele origin: germline.

Women's Health and Genetics/Laboratory Corporation of America, LabCorp
Classification: Likely benign. Last evaluated: 2022-02-20. Review status: criteria provided, single submitter. Criteria: LabCorp Variant Classification Summary - May 2015. Collection method: clinical testing. Allele origin: germline.

New York Genome Center
Classification: Uncertain significance for Type 2 diabetes mellitus; Maturity-onset diabetes of the young type 9. Last evaluated: 2021-12-02. Review status: criteria provided, single submitter. Criteria: NYGC Assertion Criteria 2020. Collection method: clinical testing. Allele origin: germline. Observed: 1 heterozygote.
Comment: The heterozygous missense variant c.133C>T (p.Arg45Trp) identified in exon 4 (of 12) of the PAX4 gene has been reported in a patient with Ketosis-prone diabetes (KPD), a rare form of type 2 diabetes, mostly observed in subjects of west Africans and African-Americans (PMID: 15509590). The variant has 0.004851 allele frequency in the African/African American subpopulation represented in the gnomAD(v3.1.2) database (201 heterozygous alleles. Additionally, one homozygous allele in the gnomADv2.1.1 database). This variant is reported as a Variant of Uncertain Significance and benign in the ClinVar database (Variation ID:13792). The variant affects a conserved residue (Arg45) located in the paired box domain of PAX4 gene (PMID: 15509590) and is predicted deleterious by multiple insilico prediction tools (CADD score = 27.9, REVEL score = 0.917). In vitro functional analyses of c.133C>T (p.Arg45Trp) suggested impaired PAX4-binding ability to target gene promoters (PMID: 15509590). Based on the available evidence, the c.133C>T (p.Arg45Trp) variant identified in the PAX4 gene is reported as a Variant of Uncertain Significance.

GeneDx
Classification: Uncertain significance. Last evaluated: 2021-08-23. Review status: criteria provided, single submitter. Criteria: GeneDx Variant Classification Process June 2021. Collection method: clinical testing. Allele origin: germline. Affected: yes.
Comment: Published functional studies suggest a damaging effect, specifically in vitro analyses illustrate a reduction in the PAX4-binding ability to target gene promoters (Mauvais-Jarvis et al., 2004); In silico analysis supports that this missense variant has a deleterious effect on protein structure/function; This variant is associated with the following publications: (PMID: 32801813, 15509590, 20981092)

Genetic Services Laboratory, University of Chicago
Classification: Benign. Last evaluated: 2018-07-31. Review status: criteria provided, single submitter. Criteria: ACMG Guidelines, 2015. Collection method: clinical testing. Allele origin: germline. Affected: no.

Seattle Children's Hospital Molecular Genetics Laboratory, Seattle Children's Hospital
Classification: Uncertain significance for Hyperglycemia. Review status: criteria provided, single submitter. Criteria: ACMG Guidelines, 2015. Collection method: clinical testing. Allele origin: unknown. Affected: yes.
Comment: The p.Arg45Trp variant is predicted to substitute the arginine at position 45 with a tryptophan and the majority of in silico tools predict this variant has a damaging effect. This variant was reported as a heterozygous change in a single individual with ketosis-prone diabetes and was demonstrated to have reduced function in in vitro assays (PMID: 15509590). This variant is found in individuals with African ancestry with an allele frequency of 0.5% (~1/100 are carriers; 1 individual with homozygous change) in the Genome Aggregation Database.

OMIM
Classification: risk factor for DIABETES MELLITUS, KETOSIS-PRONE, SUSCEPTIBILITY TO. Last evaluated: 2004-12-15. Review status: no assertion criteria provided. Collection method: literature only. Allele origin: germline. Not counted in ClinVar's aggregate classification.

Seattle Children's Hospital Molecular Genetics Laboratory, Seattle Children's Hospital
Classification: Uncertain significance. Last evaluated: 2019-12-17. Review status: flagged submission. Criteria: ACMG Guidelines, 2015. Collection method: clinical testing. Allele origin: germline. Affected: yes. Not counted in ClinVar's aggregate classification.
Comment: The p.Arg37Trp variant is predicted to substitute the arginine at position 37 with a tryptophan and the majority of in silico tools predict this variant has a damaging effect. This variant was reported as a heterozygous change in a single individual with ketosis-prone diabetes and was demonstrated to have reduced function in in vitro assays (PMID: 15509590). This variant is found in individuals with African ancestry with an allele frequency of 0.5% (~1/100 are carriers; 1 individual with homozygous change) in the Genome Aggregation Database.
ClinVar note: Reason: This record appears to be redundant with a more recent record from the same submitter.
ClinVar note: Notes: SCV002525698 appears to be redundant with SCV003918807.

Literature cited by the submitters: PubMed 15509590 (cited by OMIM).

NM_001366110.1(PAX4):c.133C>T (p.Arg45Trp)

Gene: PAX4 (paired box 4; minus strand). Cytogenetic location: 7q32.1.
Variant type: single nucleotide variant.
Coding change: c.133C>T on transcript NM_001366110.1 (MANE Select); coding-DNA position 133, C replaced by T.
Protein change: p.Arg45Trp; replaces arginine 45 with tryptophan.
Molecular consequence: missense variant.
Genome position (GRCh38, 1-based): chr7:127,615,412, G>A on the plus strand (C>T on the coding strand, the complement: PAX4 is on the minus strand). VCF-style: chr7-127615412-G-A. GRCh37 (hg19) VCF-style: chr7-127255466-G-A.
Other names: R37W; NM_006193.2:c.109C>T; c.133C>T, p.Arg45Trp (NM_001366111.1); short protein forms R45W.
Identifiers: ClinVar variation 13792 (VCV000013792.20), dbSNP rs35155575, ClinGen allele CA123477.